The following is an entry in ClinVar:

NM_001009944.3(PKD1):c.9585_9591del (p.Trp3195fs)

Gene: PKD1 (polycystin 1, transient receptor potential channel interacting; minus strand). Cytogenetic location: 16p13.3.
Variant type: Deletion.
Coding change: c.9585_9591del on transcript NM_001009944.3 (MANE Select); coding-DNA positions 9585 to 9591, 7 bases deleted (GTTCCTG; older notation c.9585_9591delGTTCCTG).
Protein change: p.Trp3195fs; shifts the reading frame from tryptophan 3195.
Molecular consequence: frameshift variant.
Genome position (GRCh38, 1-based): chr16:2,100,287-2,100,293, CAGGAAC deleted on the plus strand (GTTCCTG on the coding strand, the reverse complement: PKD1 is on the minus strand); deleting any 7 consecutive bases within chr16:2,100,287-2,100,297 gives the same sequence; the c. name uses the placement nearest the transcript's 3' end. VCF-style (leftmost placement, unchanged base first): chr16-2100286-GCAGGAAC-G. GRCh37 (hg19) VCF-style: chr16-2150287-GCAGGAAC-G.
Other names: c.9585_9591del, p.Trp3195fs (NM_000296.4); short protein forms W3195fs.
Identifiers: ClinVar variation 997372 (VCV000997372.1), dbSNP rs2092039663, ClinGen allele CA2202042026.
Genomic context (GRCh38, chr16:2,100,286, plus strand): 5'-AGTCATTGACCAGGAAGAAGGCGCTGCGTGCCGTCTGCAGGTCCCTGACGATGACGTGCT[GCAGGAAC>G]CAGGCAGGGCTGAGCCCTGCAGAGGCGCAGGAGGGAGGTCAGGCTCGCAGGGCGCCCCAA-3'

ClinVar aggregate classification (germline): Pathogenic (0 of 4 stars; one submission).

Conditions:
Polycystic kidney disease. Also called: Polycystic kidney dysplasia; Kidney, Polycystic. Identifiers: MedGen C0022680, MeSH D007690, MONDO:0020642, HP:0000113.

Submission:

Department of Pathology and Laboratory Medicine, Sinai Health System
Classification: Pathogenic for Polycystic Kidney disease. Review status: no assertion criteria provided. Collection method: clinical testing. Allele origin: unknown. Affected: yes. Observed: 1 variant allele. Study: The Canadian Open Genetics Repository (COGR).
Comment: The PKD1 p.Trp3195CysfsX119 variant was not identified in the literature nor was it identified in the dbSNP, ClinVar, GeneInsight-COGR, LOVD 3.0, ADPKD Mutation Database, and PKD1-LOVD, databases. The variant was not identified in the following control databases: the 1000 Genomes Project, the NHLBI GO Exome Sequencing Project, and the Exome Aggregation Consortium (August 8th 2016), or the Genome Aggregation Database (Feb 27, 2017). The c.9585_9591del variant is predicted to cause a frameshift, which alters the protein amino acid sequence beginning at codon 3195 and leads to a premature stop codon at position 3313. This alteration is then predicted to result in a truncated or absent protein and loss of function. Loss of function variants of the PKD1 gene are an established mechanism of disease in in autosomal dominant polycystic kidney disease and is the type of variant expected to cause the disorder. In summary, based on the above information this variant meets our laboratoryâ€šÃ„Ã´s criteria to be classified as pathogenic.